The following is an entry in ClinVar:

ClinVar aggregate classification (germline): Conflicting classifications of pathogenicity. Review status: criteria provided, conflicting classifications (1 of 4 stars). 3 submissions from 3 submitters: Uncertain significance (1); Likely benign (2). Last evaluated 2025-09-23.

Conditions:
SRCAP-related disorder. Also called: SRCAP-related condition.
Inborn genetic diseases. Identifiers: MedGen C0950123, MeSH D030342.

Allele frequency attached by ClinVar (database versions not stated): gnomAD exomes 0.00002; ESP Exome Variant Server 0.00008; ExAC 0.00010; TOPMed 0.00010; gnomAD 0.00011.
gnomAD v4.1: 51 of 1,546,984 alleles (0.0033%); highest among the groups gnomAD compares: African/African-American, 0.039%; no homozygotes.

Submissions (3):

Labcorp Genetics (formerly Invitae), Labcorp
Classification: Uncertain significance. Last evaluated: 2025-09-23. Review status: criteria provided, single submitter. Criteria: Invitae Variant Classification Sherloc (09022015). Collection method: clinical testing. Allele origin: germline.
Comment: This sequence change replaces proline, which is neutral and non-polar, with leucine, which is neutral and non-polar, at codon 2791 of the SRCAP protein (p.Pro2791Leu). This variant is present in population databases (rs374720304, gnomAD 0.06%), and has an allele count higher than expected for a pathogenic variant. This variant has not been reported in the literature in individuals affected with SRCAP-related conditions. ClinVar contains an entry for this variant (Variation ID: 2066227). Invitae Evidence Modeling of protein sequence and biophysical properties (such as structural, functional, and spatial information, amino acid conservation, physicochemical variation, residue mobility, and thermodynamic stability) indicates that this missense variant is not expected to disrupt SRCAP protein function with a negative predictive value of 80%. In summary, the available evidence is currently insufficient to determine the role of this variant in disease. Therefore, it has been classified as a Variant of Uncertain Significance.

PreventionGenetics, part of Exact Sciences
Classification: Likely benign for SRCAP-related condition. Last evaluated: 2025-06-17. Review status: criteria provided, single submitter. Criteria: ACMG Guidelines, 2015. Collection method: clinical testing. Allele origin: germline.
Comment: This variant is classified as likely benign based on ACMG/AMP sequence variant interpretation guidelines (Richards et al. 2015 PMID: 25741868, with internal and published modifications).

Ambry Genetics
Classification: Likely benign for Inborn genetic diseases. Last evaluated: 2022-01-26. Review status: criteria provided, single submitter. Criteria: Ambry Variant Classification Scheme 2023. Collection method: clinical testing. Allele origin: germline.

NM_006662.3(SRCAP):c.8372C>T (p.Pro2791Leu)

Gene: SRCAP (Snf2 related CREBBP activator protein; plus strand). Cytogenetic location: 16p11.2.
Variant type: single nucleotide variant.
Coding change: c.8372C>T on transcript NM_006662.3 (MANE Select); coding-DNA position 8372, C replaced by T.
Protein change: p.Pro2791Leu; replaces proline 2791 with leucine.
Molecular consequence: missense variant.
Genome position (GRCh38, 1-based): chr16:30,738,412, C>T. VCF-style: chr16-30738412-C-T. GRCh37 (hg19) VCF-style: chr16-30749733-C-T.
Other names: short protein forms P2791L.
Identifiers: ClinVar variation 2066227 (VCV002066227.5), dbSNP rs374720304, ClinGen allele CA8012680.